The following is an entry in ClinVar:

NM_001943.5(DSG2):c.290del (p.Pro97fs)

Gene: DSG2 (desmoglein 2; plus strand). Cytogenetic location: 18q12.1.
Variant type: Deletion.
Coding change: c.290del on transcript NM_001943.5 (MANE Select); coding-DNA position 290, one base deleted (C; older notation c.290delC).
Protein change: p.Pro97fs; shifts the reading frame from proline 97.
Molecular consequence: frameshift variant.
Genome position (GRCh38, 1-based): chr18:31,520,876, C deleted; the last of 2 consecutive C bases (chr18:31,520,875-31,520,876); deleting either gives the same sequence. VCF-style (leftmost placement, unchanged base first): chr18-31520874-GC-G. GRCh37 (hg19) VCF-style: chr18-29100837-GC-G.
Other names: short protein forms P97fs.
Identifiers: ClinVar variation 2118301 (VCV002118301.4), dbSNP rs2510910826, ClinGen allele CA2580095587.

ClinVar aggregate classification (germline): Pathogenic (1 of 4 stars; one submission).

Conditions:
Arrhythmogenic right ventricular dysplasia 10. Also called: Arrhythmogenic Right Ventricular Dysplasia/Cardiomyopathy10; ARRHYTHMOGENIC RIGHT VENTRICULAR DYSPLASIA, FAMILIAL, 10; Arrhythmogenic right ventricular dysplasia/cardiomyopathy, type 10. Identifiers: MedGen C1857777, MONDO:0012434, OMIM 610193.

Submission:

Labcorp Genetics (formerly Invitae), Labcorp
Classification: Pathogenic for Arrhythmogenic right ventricular dysplasia 10. Last evaluated: 2022-03-27. Review status: criteria provided, single submitter. Criteria: Invitae Variant Classification Sherloc (09022015). Collection method: clinical testing. Allele origin: germline.
Comment: For these reasons, this variant has been classified as Pathogenic. This variant has not been reported in the literature in individuals affected with DSG2-related conditions. This variant is not present in population databases (gnomAD no frequency). This sequence change creates a premature translational stop signal (p.Pro97Hisfs*15) in the DSG2 gene. It is expected to result in an absent or disrupted protein product. Loss-of-function variants in DSG2 are known to be pathogenic (PMID: 17105751, 31386562).

Literature cited by the submitters: PubMed 17105751; PubMed 31386562.